The following is an entry in ClinVar:

ClinVar aggregate classification (germline): Uncertain significance (1 of 4 stars; one submission).

Conditions:
Congenital hyperammonemia, type I. Also called: CPS I DEFICIENCY; Carbamoyl phosphate synthetase 1 deficiency; Hyperammonemia due to carbamoyl phosphate synthetase 1 deficiency; CPS 1 deficiency; Carbamyl phosphate synthetase (CPS) deficiency; Carbamoyl phosphate synthetase I deficiency disease. Identifiers: Orphanet 147, MedGen C4082171, MONDO:0009376, OMIM 237300.

Allele frequency attached by ClinVar (database versions not stated): ExAC 0.00001; gnomAD 0.00001; gnomAD exomes 0.00001; 1000 Genomes Project 30x 0.00016.
gnomAD v4.1: 12 of 1,612,462 alleles (0.00074%); highest among the groups gnomAD compares: Middle Eastern, 0.017%; no homozygotes.

Submission:

Labcorp Genetics (formerly Invitae), Labcorp
Classification: Uncertain significance for Congenital hyperammonemia, type I. Last evaluated: 2022-01-28. Review status: criteria provided, single submitter. Criteria: Invitae Variant Classification Sherloc (09022015). Collection method: clinical testing. Allele origin: germline.
Comment: This sequence change replaces glycine, which is neutral and non-polar, with arginine, which is basic and polar, at codon 756 of the CPS1 protein (p.Gly756Arg). This variant is present in population databases (rs773998721, gnomAD 0.0009%). This variant has not been reported in the literature in individuals affected with CPS1-related conditions. Algorithms developed to predict the effect of missense changes on protein structure and function (SIFT, PolyPhen-2, Align-GVGD) all suggest that this variant is likely to be tolerated. Algorithms developed to predict the effect of sequence changes on RNA splicing suggest that this variant may create or strengthen a splice site. In summary, the available evidence is currently insufficient to determine the role of this variant in disease. Therefore, it has been classified as a Variant of Uncertain Significance.

NM_001875.5(CPS1):c.2266G>A (p.Gly756Arg)

Gene: CPS1 (carbamoyl-phosphate synthase 1; plus strand). Cytogenetic location: 2q34.
Variant type: single nucleotide variant.
Coding change: c.2266G>A on transcript NM_001875.5 (MANE Select); coding-DNA position 2266, G replaced by A.
Protein change: p.Gly756Arg; replaces glycine 756 with arginine.
Molecular consequence: missense variant. On other transcripts: non-coding transcript variant (2).
Genome position (GRCh38, 1-based): chr2:210,608,434, G>A. VCF-style: chr2-210608434-G-A. GRCh37 (hg19) VCF-style: chr2-211473158-G-A.
Other names: c.2266G>A, p.Gly756Arg (NM_001122633.3, NM_001369257.1); c.2299G>A, p.Gly767Arg (NM_001369256.1); short protein forms G767R, G756R.
Identifiers: ClinVar variation 2181789 (VCV002181789.1), dbSNP rs773998721, ClinGen allele CA2086599.